The following is an entry in ClinVar:

NM_003640.5(ELP1):c.1758_1775del (p.Ser587_Pro592del)

Gene: ELP1 (elongator acetyltransferase complex subunit 1; minus strand). Cytogenetic location: 9q31.3.
Variant type: Deletion.
Coding change: c.1758_1775del on transcript NM_003640.5 (MANE Select); coding-DNA positions 1758 to 1775, 18 bases deleted (TTCTCTGGCTATTAAACC).
Protein change: p.Ser587_Pro592del.
Molecular consequence: inframe deletion.
Genome position (GRCh38, 1-based): chr9:108,902,918-108,902,935, GGTTTAATAGCCAGAGAA deleted on the plus strand (TTCTCTGGCTATTAAACC on the coding strand, the reverse complement: ELP1 is on the minus strand); deleting any 18 consecutive bases within chr9:108,902,918-108,902,938 gives the same sequence; the c. name uses the placement nearest the transcript's 3' end. VCF-style (leftmost placement, unchanged base first): chr9-108902917-TGGTTTAATAGCCAGAGAA-T. GRCh37 (hg19) VCF-style: chr9-111665197-TGGTTTAATAGCCAGAGAA-T.
Other names: c.1416_1433del, p.Ser473_Pro478del (NM_001318360.2); c.711_728del, p.Ser238_Pro243del (NM_001330749.2).
Identifiers: ClinVar variation 5004859 (VCV005004859.1).
Genomic context (GRCh38, chr9:108,902,917, plus strand): 5'-CAATTCGGTCTGGGTGCATGGATAAGGAAACCGAACAGGAAATCCACCAGAGTTCTTCCA[TGGTTTAATAGCCAGAGAA>T]GGTGACTCTGCAAGATTCACAGATCTAGTTCACAAATAGCTGATGCGCTCTTTGCAAAAA-3'

ClinVar aggregate classification (germline): Uncertain significance (1 of 4 stars; one submission).

Conditions:
Familial dysautonomia. Also called: FD; HSAN III. Identifiers: Orphanet 1764, MedGen C0013364, MONDO:0009131, OMIM 223900. Disease mechanism: loss of function.

Submission:

Myriad Genetics, Inc.
Classification: Uncertain significance for Familial dysautonomia. Last evaluated: 2026-08-20. Review status: criteria provided, single submitter. Criteria: Myriad Autosomal Dominant, Autosomal Recessive and X-Linked Classification Criteria (2023). Collection method: clinical testing. Allele origin: unknown.
Comment: NM_003640.3(ELP1):c.1758_1775del18(S587_P592del) is an in-frame deletion classified as a variant of uncertain significance in the context of familial dysautonomia. S587_P592del has not been observed in cases with relevant disease. Relevant functional assessments of this variant are not available in the literature. S587_P592del has not been observed in referenced population frequency databases. In summary, there is insufficient evidence to classify NM_003640.3(ELP1):c.1758_1775del18(S587_P592del) as pathogenic or benign. Please note: this variant was assessed in the context of healthy population screening.